The following is an entry in ClinVar:

ClinVar aggregate classification (germline): Uncertain significance. Review status: criteria provided, multiple submitters, no conflicts (2 of 4 stars). 2 submissions from 2 submitters: Uncertain significance (2). Last evaluated 2025-01-25.

Conditions:
Acute myeloid leukemia (AML). Also called: Leukemia, acute myeloid, somatic; Leukemia, acute myelogenous, somatic; Acute myeloid leukemia, adult; AML adult; Acute non-lymphocytic leukemia; Acute granulocytic leukemia. Identifiers: Orphanet 519, MedGen C0023467, MeSH D015470, MONDO:0018874, OMIM 601626, HP:0004808. Disease mechanism: Constitutively activated FLT3.
Inborn genetic diseases. Identifiers: MedGen C0950123, MeSH D030342.

Allele frequency attached by ClinVar (database versions not stated): TOPMed 0.00001.

Submissions (2):

Ambry Genetics
Classification: Uncertain significance for Inborn genetic diseases. Last evaluated: 2025-01-25. Review status: criteria provided, single submitter. Criteria: Ambry Variant Classification Scheme 2023. Collection method: clinical testing. Allele origin: germline.
Comment: The p.P261R variant (also known as c.782C>G), located in coding exon 1 of the CEBPA gene, results from a C to G substitution at nucleotide position 782. The proline at codon 261 is replaced by arginine, an amino acid with dissimilar properties. This amino acid position is conserved. In addition, this alteration is predicted to be tolerated by in silico analysis. Based on the available evidence, the clinical significance of this variant remains unclear.

Labcorp Genetics (formerly Invitae), Labcorp
Classification: Uncertain significance for Acute myeloid leukemia. Last evaluated: 2024-11-12. Review status: criteria provided, single submitter. Criteria: Invitae Variant Classification Sherloc (09022015). Collection method: clinical testing. Allele origin: germline.
Comment: This sequence change replaces proline, which is neutral and non-polar, with arginine, which is basic and polar, at codon 261 of the CEBPA protein (p.Pro261Arg). This variant is not present in population databases (gnomAD no frequency). This variant has not been reported in the literature in individuals affected with CEBPA-related conditions. ClinVar contains an entry for this variant (Variation ID: 1468095). An algorithm developed to predict the effect of missense changes on protein structure and function (PolyPhen-2) suggests that this variant is likely to be disruptive. In summary, the available evidence is currently insufficient to determine the role of this variant in disease. Therefore, it has been classified as a Variant of Uncertain Significance.

NM_004364.5(CEBPA):c.782C>G (p.Pro261Arg)

Gene: CEBPA (CCAAT enhancer binding protein alpha; minus strand). Cytogenetic location: 19q13.11.
Variant type: single nucleotide variant.
Coding change: c.782C>G on transcript NM_004364.5 (MANE Select); coding-DNA position 782, C replaced by G.
Protein change: p.Pro261Arg; replaces proline 261 with arginine.
Molecular consequence: missense variant.
Genome position (GRCh38, 1-based): chr19:33,301,633, G>C on the plus strand (C>G on the coding strand, the complement: CEBPA is on the minus strand). VCF-style: chr19-33301633-G-C. GRCh37 (hg19) VCF-style: chr19-33792539-G-C.
Other names: c.425C>G, p.Pro142Arg (NM_001285829.2); c.887C>G, p.Pro296Arg (NM_001287424.2); c.740C>G, p.Pro247Arg (NM_001287435.2); c.782C>G (NM_004364.3); short protein forms P247R, P142R, P296R, P261R.
Identifiers: ClinVar variation 1468095 (VCV001468095.10), dbSNP rs1184283480, ClinGen allele CA405274223.